The following is an entry in ClinVar:

ClinVar aggregate classification (germline): not provided (0 of 4 stars; one submission).

Allele frequency attached by ClinVar (database versions not stated): TOPMed 0.00001; ExAC below 0.00001; gnomAD 0.00001 and 0.00003; gnomAD exomes 0.00001.
gnomAD v4.1: 10 of 1,024,538 alleles (0.00098%); highest among the groups gnomAD compares: South Asian, 0.0027%; no homozygotes.

Submission:

ITMI
No classification provided. Condition: AllHighlyPenetrant. Last evaluated: 2013-09-19. Review status: no classification provided. Collection method: reference population. Allele origin: germline.
Comment: Please see associated publication for description of ethnicities

Literature cited by the submitters: PubMed 24728327.

NM_017617.5(NOTCH1):c.5167+162G>A

Gene: NOTCH1 (notch receptor 1; minus strand). Cytogenetic location: 9q34.3.
Variant type: single nucleotide variant.
Coding change: c.5167+162G>A on transcript NM_017617.5 (MANE Select); 162 bases into the intron after coding-DNA position 5167, G replaced by A.
Molecular consequence: intron variant.
Genome position (GRCh38, 1-based): chr9:136,503,020, C>T on the plus strand (G>A on the coding strand, the complement: NOTCH1 is on the minus strand). VCF-style: chr9-136503020-C-T. GRCh37 (hg19) VCF-style: chr9-139397472-C-T.
Other names: c.5167+162G>A (LRG_1122t1).
Identifiers: ClinVar variation 133361 (VCV000133361.1), dbSNP rs587777958, ClinGen allele CA156451.